The following is an entry in ClinVar:

ClinVar aggregate classification (germline): Uncertain significance. Review status: criteria provided, multiple submitters, no conflicts (2 of 4 stars). 2 submissions from 2 submitters: Uncertain significance (2). Last evaluated 2025-08-13.

Conditions:
Inborn genetic diseases. Identifiers: MedGen C0950123, MeSH D030342.
Combined immunodeficiency due to DOCK8 deficiency (HIES2). Also called: HIES autosomal recessive; DOCK8 Deficiency; Hyper-IgE recurrent infection syndrome, autosomal recessive; HYPER-IgE RECURRENT INFECTION SYNDROME 2, AUTOSOMAL RECESSIVE; HYPER-IgE SYNDROME 2, AUTOSOMAL RECESSIVE, WITH RECURRENT INFECTIONS. Identifiers: Orphanet 217390, MedGen C4722305, MONDO:0009478, OMIM 243700.

Allele frequency attached by ClinVar (database versions not stated): gnomAD exomes 0.00001.
gnomAD v4.1: 11 of 1,599,080 alleles (0.00069%); highest among the groups gnomAD compares: South Asian, 0.0011%; no homozygotes.

Submissions (2):

Ambry Genetics
Classification: Uncertain significance for Inborn genetic diseases. Last evaluated: 2025-08-13. Review status: criteria provided, single submitter. Criteria: Ambry Variant Classification Scheme 2023. Collection method: clinical testing. Allele origin: germline.

Labcorp Genetics (formerly Invitae), Labcorp
Classification: Uncertain significance for Combined immunodeficiency due to DOCK8 deficiency. Last evaluated: 2022-04-19. Review status: criteria provided, single submitter. Criteria: Invitae Variant Classification Sherloc (09022015). Collection method: clinical testing. Allele origin: germline.
Comment: This sequence change replaces proline, which is neutral and non-polar, with arginine, which is basic and polar, at codon 5 of the DOCK8 protein (p.Pro5Arg). This variant is not present in population databases (gnomAD no frequency). This variant has not been reported in the literature in individuals affected with DOCK8-related conditions. Algorithms developed to predict the effect of missense changes on protein structure and function (SIFT, PolyPhen-2, Align-GVGD) all suggest that this variant is likely to be tolerated. In summary, the available evidence is currently insufficient to determine the role of this variant in disease. Therefore, it has been classified as a Variant of Uncertain Significance.

NM_203447.4(DOCK8):c.14C>G (p.Pro5Arg)

Genes: DOCK8-AS1 (DOCK8 antisense RNA 1; minus strand), DOCK8 (dedicator of cytokinesis 8; plus strand), LOC130001437 (ATAC-STARR-seq lymphoblastoid silent region 19722; plus strand). Cytogenetic location: 9p24.3.
Variant type: single nucleotide variant.
Coding change: c.14C>G on transcript NM_203447.4 (MANE Select); coding-DNA position 14, C replaced by G.
Protein change: p.Pro5Arg; replaces proline 5 with arginine.
Molecular consequence: missense variant. On other transcripts: non-coding transcript variant (1).
Genome position (GRCh38, 1-based): chr9:214,990, C>G. VCF-style: chr9-214990-C-G. GRCh37 (hg19) VCF-style: chr9-214990-C-G.
Other names: short protein forms P5R.
Identifiers: ClinVar variation 2192847 (VCV002192847.2), dbSNP rs1018736787, ClinGen allele CA187758545.
Genomic context (GRCh38, chr9:214,990, plus strand): 5'-CTTTCCGCACCCCGCGACCCTAGAAGCCACCGAACCGCCGGCGGGCCATGGCCACTCTGC[C>G]GAGCGCAGAGCGCCGCGCGTTCGCGCTCAAGATCAACAGGTAAGACGCCCCCCGCGGCGC-3'
Protein context (NP_982272.2, residues 1-15): MATL[Pro5Arg]SAERRAFALK